The following is an entry in ClinVar:

NM_001282531.3(ADNP):c.2547TGA[1] (p.Asp850del)

Gene: ADNP (activity dependent neuroprotector homeobox; minus strand). Cytogenetic location: 20q13.13.
Variant type: Microsatellite.
Coding change: c.2547TGA[1] on transcript NM_001282531.3 (MANE Select); one copy of the 3-base unit TGA starting at c.2547; the reference has two copies in a row; one copy, 3 bases deleted.
Protein change: p.Asp850del; deletes aspartic acid 850.
Molecular consequence: inframe deletion.
Genome position (GRCh38, 1-based): chr20:50,892,162-50,892,164, TCA deleted on the plus strand (TGA on the coding strand, the reverse complement: ADNP is on the minus strand); deleting any 3 consecutive bases within chr20:50,892,162-50,892,168 gives the same sequence; the position shown is the placement nearest the transcript's 3' end. VCF-style (leftmost placement, unchanged base first): chr20-50892161-CTCA-C. GRCh37 (hg19) VCF-style: chr20-49508698-CTCA-C.
Other names: c.2550_2552delTGA (NM_015339.2, NM_001282531.2); c.2547TGA[1], p.Asp850del (NM_001282532.2, NM_001347511.2, NM_015339.5 and 1 more transcripts); short protein forms D850del.
Identifiers: ClinVar variation 2896398 (VCV002896398.6), dbSNP rs755471290, ClinGen allele CA9908575.

ClinVar aggregate classification (germline): Conflicting classifications of pathogenicity. Review status: criteria provided, conflicting classifications (1 of 4 stars). 4 submissions from 4 submitters: Uncertain significance (2); Likely benign (2). Last evaluated 2025-04-21.

Conditions:
Inborn genetic diseases. Identifiers: MedGen C0950123, MeSH D030342.
ADNP-related disorder. Also called: ADNP-related condition.

Submissions (4):

Labcorp Genetics (formerly Invitae), Labcorp
Classification: Likely benign. Last evaluated: 2025-04-21. Review status: criteria provided, single submitter. Criteria: Invitae Variant Classification Sherloc (09022015). Collection method: clinical testing. Allele origin: germline.

Ambry Genetics
Classification: Likely benign for Inborn genetic diseases. Last evaluated: 2024-10-25. Review status: criteria provided, single submitter. Criteria: Ambry Variant Classification Scheme 2023. Collection method: clinical testing. Allele origin: germline.

PreventionGenetics, part of Exact Sciences
Classification: Uncertain significance for ADNP-related condition. Last evaluated: 2024-10-15. Review status: criteria provided, single submitter. Criteria: ACMG Guidelines, 2015. Collection method: clinical testing. Allele origin: germline.
Comment: The ADNP c.2550_2552delTGA variant is predicted to result in an in-frame deletion (p.Asp850del). To our knowledge, this variant has not been reported in the literature. This variant is reported in 0.0080% of alleles in individuals of African descent in gnomAD. At this time, the clinical significance of this variant is uncertain due to the absence of conclusive functional and genetic evidence.

Breakthrough Genomics
Classification: Uncertain significance. Review status: criteria provided, single submitter. Criteria: ACMG Guidelines, 2015. Collection method: not provided. Allele origin: germline. Inheritance: Autosomal dominant inheritance. Affected: yes.